The following is an entry in ClinVar:

ClinVar aggregate classification (germline): Uncertain significance (1 of 4 stars; one submission).

Submission:

GeneDx
Classification: Uncertain significance. Last evaluated: 2024-07-10. Review status: criteria provided, single submitter. Criteria: GeneDx Variant Classification Process June 2021. Collection method: clinical testing. Allele origin: germline. Affected: yes.
Comment: Not observed at significant frequency in large population cohorts (gnomAD); In silico analysis indicates that this missense variant does not alter protein structure/function; Has not been previously published as pathogenic or benign to our knowledge

NM_032590.5(KDM2B):c.2256G>C (p.Lys752Asn)

Gene: KDM2B (lysine demethylase 2B; minus strand). Cytogenetic location: 12q24.31.
Variant type: single nucleotide variant.
Coding change: c.2256G>C on transcript NM_032590.5 (MANE Select); coding-DNA position 2256, G replaced by C.
Protein change: p.Lys752Asn; replaces lysine 752 with asparagine.
Molecular consequence: missense variant.
Genome position (GRCh38, 1-based): chr12:121,444,207, C>G on the plus strand (G>C on the coding strand, the complement: KDM2B is on the minus strand). VCF-style: chr12-121444207-C-G. GRCh37 (hg19) VCF-style: chr12-121882010-C-G.
Other names: c.2163G>C, p.Lys721Asn (NM_001005366.2); short protein forms K721N, K752N.
Identifiers: ClinVar variation 3572670 (VCV003572670.1).